The following is an entry in ClinVar:

ClinVar aggregate classification (germline): Uncertain significance (1 of 4 stars; one submission).

Conditions:
Familial hemophagocytic lymphohistiocytosis 2 (FHL2). Also called: PRF1-Related Familial Hemophagocytic Lymphohistiocytosis (PRF1-fHLH). Identifiers: Orphanet 540, MedGen C1863727, MONDO:0011337, OMIM 603553.

Submission:

Labcorp Genetics (formerly Invitae), Labcorp
Classification: Uncertain significance for Familial hemophagocytic lymphohistiocytosis 2. Last evaluated: 2019-08-14. Review status: criteria provided, single submitter. Criteria: Invitae Variant Classification Sherloc (09022015). Collection method: clinical testing. Allele origin: germline.
Comment: In summary, the available evidence is currently insufficient to determine the role of this variant in disease. Therefore, it has been classified as a Variant of Uncertain Significance. Algorithms developed to predict the effect of missense changes on protein structure and function (SIFT, PolyPhen-2, Align-GVGD) all suggest that this variant is likely to be disruptive, but these predictions have not been confirmed by published functional studies and their clinical significance is uncertain. This variant has not been reported in the literature in individuals with PRF1-related conditions. This variant is not present in population databases (ExAC no frequency). This sequence change replaces cysteine with phenylalanine at codon 279 of the PRF1 protein (p.Cys279Phe). The cysteine residue is highly conserved and there is a large physicochemical difference between cysteine and phenylalanine.

NM_001083116.3(PRF1):c.836G>T (p.Cys279Phe)

Gene: PRF1 (perforin 1; minus strand). Cytogenetic location: 10q22.1.
Variant type: single nucleotide variant.
Coding change: c.836G>T on transcript NM_001083116.3 (MANE Select); coding-DNA position 836, G replaced by T.
Protein change: p.Cys279Phe; replaces cysteine 279 with phenylalanine.
Molecular consequence: missense variant.
Genome position (GRCh38, 1-based): chr10:70,598,885, C>A on the plus strand (G>T on the coding strand, the complement: PRF1 is on the minus strand). VCF-style: chr10-70598885-C-A. GRCh37 (hg19) VCF-style: chr10-72358641-C-A.
Other names: c.836G>T, p.Cys279Phe (NM_005041.6); short protein forms C279F.
Identifiers: ClinVar variation 960834 (VCV000960834.9), dbSNP rs104894182, ClinGen allele CA376958264.
Genomic context (GRCh38, chr10:70,598,885, plus strand): 5'-CGCTCCCGGTAGGTTTGGTGGAAGGAGGCCGTCATCTTGTGCTTCTTCTTCTTCTCCTCA[C>A]AGGCCTTGGCTTCGGCAGAGATGCTGCCGTGGATGCCTATGTTGACCTGGGCCTCGACAG-3'
Protein context (NP_001076585.1, residues 269-289): HGSISAEAKA[Cys279Phe]EEKKKKHKMT